The following is an entry in ClinVar:

ClinVar aggregate classification (germline): Uncertain significance. Review status: criteria provided, multiple submitters, no conflicts (2 of 4 stars). 4 submissions from 4 submitters: Uncertain significance (4). Last evaluated 2024-11-02.

Conditions:
Cardiovascular phenotype. Identifiers: MedGen CN230736.
Myofibrillar myopathy 4. Also called: Zaspopathy (type). Identifiers: Orphanet 98912, MedGen C4721886, MONDO:0012277, OMIM 609452.

Allele frequency attached by ClinVar (database versions not stated): gnomAD exomes 0.00001 and 0.00002; TOPMed 0.00002; ExAC 0.00003; gnomAD 0.00003.
gnomAD v4.1: 16 of 1,612,648 alleles (0.00099%); highest among the groups gnomAD compares: South Asian, 0.0077%; no homozygotes.

Submissions (4):

Labcorp Genetics (formerly Invitae), Labcorp
Classification: Uncertain significance for Myofibrillar myopathy 4. Last evaluated: 2024-11-02. Review status: criteria provided, single submitter. Criteria: Invitae Variant Classification Sherloc (09022015). Collection method: clinical testing. Allele origin: germline.
Comment: The LDB3 gene has multiple clinically relevant transcripts. This variant occurs in alternate transcript NM_007078.3, and corresponds to NM_001080116.1:c.*7165T>C in the primary transcript. This sequence change replaces isoleucine, which is neutral and non-polar, with threonine, which is neutral and polar, at codon 302 of the LDB3 protein (p.Ile302Thr). This variant is present in population databases (rs777489502, gnomAD 0.01%). This variant has not been reported in the literature in individuals affected with LDB3-related conditions. Experimental studies and prediction algorithms are not available or were not evaluated, and the functional significance of this variant is currently unknown. In summary, the available evidence is currently insufficient to determine the role of this variant in disease. Therefore, it has been classified as a Variant of Uncertain Significance.

Ambry Genetics
Classification: Uncertain significance for Cardiovascular phenotype. Last evaluated: 2024-04-09. Review status: criteria provided, single submitter. Criteria: Ambry Variant Classification Scheme 2023. Collection method: clinical testing. Allele origin: germline.
Comment: The p.I302T variant (also known as c.905T>C), located in coding exon 7 of the LDB3 gene, results from a T to C substitution at nucleotide position 905. The isoleucine at codon 302 is replaced by threonine, an amino acid with similar properties. This amino acid position is conserved. In addition, this alteration is predicted to be tolerated by in silico analysis. Since supporting evidence is limited at this time, the clinical significance of this alteration remains unclear.

Women's Health and Genetics/Laboratory Corporation of America, LabCorp
Classification: Uncertain significance. Last evaluated: 2023-08-19. Review status: criteria provided, single submitter. Criteria: LabCorp Variant Classification Summary - May 2015. Collection method: clinical testing. Allele origin: germline.

GeneDx
Classification: Uncertain significance. Last evaluated: 2019-10-14. Review status: criteria provided, single submitter. Criteria: GeneDx Variant Classification Process June 2021. Collection method: clinical testing. Allele origin: germline. Affected: yes.
Comment: Has not been previously published as pathogenic or benign to our knowledge; Not observed at a significant frequency in large population cohorts (Lek et al., 2016); In silico analysis, which includes protein predictors and evolutionary conservation, supports that this variant does not alter protein structure/function

NM_007078.3(LDB3):c.905T>C (p.Ile302Thr)

Gene: LDB3 (LIM domain binding 3; plus strand). Cytogenetic location: 10q23.2.
Variant type: single nucleotide variant.
Coding change: c.905T>C on transcript NM_007078.3 (MANE Select); coding-DNA position 905, T replaced by C.
Protein change: p.Ile302Thr; replaces isoleucine 302 with threonine.
Molecular consequence: missense variant. On other transcripts: intron variant (4).
Genome position (GRCh38, 1-based): chr10:86,706,539, T>C. VCF-style: chr10-86706539-T-C. GRCh37 (hg19) VCF-style: chr10-88466296-T-C.
Other names: c.764T>C, p.Ile255Thr (NM_001368066.1); c.897-3366T>C (NM_001368064.1, NM_001368065.1); c.1101-3366T>C (NM_001171610.2); c.756-3366T>C (NM_001080114.2); short protein forms I255T, I302T.
Identifiers: ClinVar variation 1190987 (VCV001190987.11), dbSNP rs777489502, ClinGen allele CA5585010.